The following is an entry in ClinVar:

NM_005431.2(XRCC2):c.571C>A (p.Leu191Ile)

Gene: XRCC2 (X-ray repair cross complementing 2; minus strand). Cytogenetic location: 7q36.1.
Variant type: single nucleotide variant.
Coding change: c.571C>A on transcript NM_005431.2 (MANE Select); coding-DNA position 571, C replaced by A.
Protein change: p.Leu191Ile; replaces leucine 191 with isoleucine.
Molecular consequence: missense variant.
Genome position (GRCh38, 1-based): chr7:152,648,914, G>T on the plus strand (C>A on the coding strand, the complement: XRCC2 is on the minus strand). VCF-style: chr7-152648914-G-T. GRCh37 (hg19) VCF-style: chr7-152345999-G-T.
Other names: short protein forms L191I.
Identifiers: ClinVar variation 847114 (VCV000847114.9), dbSNP rs2098027274, ClinGen allele CA370198405.

ClinVar aggregate classification (germline): Uncertain significance (1 of 4 stars; one submission).

Submission:

Labcorp Genetics (formerly Invitae), Labcorp
Classification: Uncertain significance. Last evaluated: 2024-04-16. Review status: criteria provided, single submitter. Criteria: Invitae Variant Classification Sherloc (09022015). Collection method: clinical testing. Allele origin: germline.
Comment: This sequence change replaces leucine, which is neutral and non-polar, with isoleucine, which is neutral and non-polar, at codon 191 of the XRCC2 protein (p.Leu191Ile). This variant is not present in population databases (gnomAD no frequency). This variant has not been reported in the literature in individuals affected with XRCC2-related conditions. ClinVar contains an entry for this variant (Variation ID: 847114). Advanced modeling of protein sequence and biophysical properties (such as structural, functional, and spatial information, amino acid conservation, physicochemical variation, residue mobility, and thermodynamic stability) performed at Invitae indicates that this missense variant is not expected to disrupt XRCC2 protein function with a negative predictive value of 80%. In summary, the available evidence is currently insufficient to determine the role of this variant in disease. Therefore, it has been classified as a Variant of Uncertain Significance.